The following is an entry in ClinVar:

ClinVar aggregate classification (germline): Pathogenic (1 of 4 stars; one submission).

Conditions:
Autosomal recessive limb-girdle muscular dystrophy type 2O. Also called: MUSCULAR DYSTROPHY-DYSTROGLYCANOPATHY (LIMB-GIRDLE), TYPE C, 3; MUSCULAR DYSTROPHY-DYSTROGLYCANOPATHY, LIMB-GIRDLE, POMGNT1-RELATED; Limb-Girdle Muscular Dystrophy Type 3C. Identifiers: Orphanet 206564, MedGen C3150417, MONDO:0013161, OMIM 613157.
Muscular dystrophy-dystroglycanopathy (congenital with impaired intellectual development), type B, 3. Also called: MUSCULAR DYSTROPHY, CONGENITAL, POMGNT1-RELATED; Muscular dystrophy-dystroglycanopathy (congenital with intellectual disability), type B3. Identifiers: MedGen C3150412, MONDO:0013155, OMIM 613151.

Submission:

Labcorp Genetics (formerly Invitae), Labcorp
Classification: Pathogenic for Autosomal recessive limb-girdle muscular dystrophy type 2O; Muscular dystrophy-dystroglycanopathy (congenital with impaired intellectual development), type B, 3. Last evaluated: 2024-01-30. Review status: criteria provided, single submitter. Criteria: Invitae Variant Classification Sherloc (09022015). Collection method: clinical testing. Allele origin: germline.
Comment: This sequence change creates a premature translational stop signal (p.Leu382Argfs*25) in the POMGNT1 gene. It is expected to result in an absent or disrupted protein product. Loss-of-function variants in POMGNT1 are known to be pathogenic (PMID: 19299310, 20816175, 21447391, 26908613, 27391550). This variant is not present in population databases (gnomAD no frequency). This variant has not been reported in the literature in individuals affected with POMGNT1-related conditions. For these reasons, this variant has been classified as Pathogenic.

Literature cited by the submitters: PubMed 19299310; PubMed 20816175; PubMed 21447391; PubMed 26908613; PubMed 27391550.

NM_017739.4(POMGNT1):c.1145del (p.Leu382fs)

Genes: POMGNT1 (protein O-linked mannose N-acetylglucosaminyltransferase 1 (beta 1,2-); minus strand), TSPAN1 (tetraspanin 1; plus strand). Cytogenetic location: 1p34.1.
Variant type: Deletion.
Coding change: c.1145del on transcript NM_017739.4 (MANE Select); coding-DNA position 1145, one base deleted (T; older notation c.1145delT).
Protein change: p.Leu382fs; shifts the reading frame from leucine 382.
Molecular consequence: frameshift variant.
Genome position (GRCh38, 1-based): chr1:46,193,181, A deleted on the plus strand (T on the coding strand, the reverse complement: POMGNT1 is on the minus strand). VCF-style (leftmost placement, unchanged base first): chr1-46193180-CA-C. GRCh37 (hg19) VCF-style: chr1-46658852-CA-C.
Other names: c.1145del, p.Leu382fs (NM_001243766.2, NM_001410783.1); c.1079delT, p.Leu360Argfs (NM_001290129.3); c.716del, p.Leu239fs (NM_001290130.2); short protein forms L239fs, L360fs, L382fs.
Identifiers: ClinVar variation 3754261 (VCV003754261.2).